The following is an entry in ClinVar:

ClinVar aggregate classification (germline): Uncertain significance (1 of 4 stars; one submission).

Submission:

Labcorp Genetics (formerly Invitae), Labcorp
Classification: Uncertain significance. Last evaluated: 2025-11-03. Review status: criteria provided, single submitter. Criteria: Invitae Variant Classification Sherloc (09022015). Collection method: clinical testing. Allele origin: germline.
Comment: This sequence change replaces glutamic acid, which is acidic and polar, with glycine, which is neutral and non-polar, at codon 624 of the TCF3 protein (p.Glu624Gly). This variant is not present in population databases (gnomAD no frequency). This variant has not been reported in the literature in individuals affected with TCF3-related conditions. Invitae Evidence Modeling of protein sequence and biophysical properties (such as structural, functional, and spatial information, amino acid conservation, physicochemical variation, residue mobility, and thermodynamic stability) indicates that this missense variant is expected to disrupt TCF3 protein function with a positive predictive value of 80%. In summary, the available evidence is currently insufficient to determine the role of this variant in disease. Therefore, it has been classified as a Variant of Uncertain Significance.

NM_003200.5(TCF3):c.1871A>G (p.Glu624Gly)

Gene: TCF3 (transcription factor 3; minus strand). Cytogenetic location: 19p13.3.
Variant type: single nucleotide variant.
Coding change: c.1871A>G on transcript NM_003200.5 (MANE Select); coding-DNA position 1871, A replaced by G.
Protein change: p.Glu624Gly; replaces glutamic acid 624 with glycine.
Molecular consequence: missense variant.
Genome position (GRCh38, 1-based): chr19:1,611,801, T>C on the plus strand (A>G on the coding strand, the complement: TCF3 is on the minus strand). VCF-style: chr19-1611801-T-C. GRCh37 (hg19) VCF-style: chr19-1611800-T-C.
Other names: c.1862A>G, p.Glu621Gly (NM_001136139.4, NM_001351779.2); c.1868A>G, p.Glu623Gly (NM_001351778.2); short protein forms E621G, E623G, E624G.
Identifiers: ClinVar variation 4806049 (VCV004806049.1).
Genomic context (GRCh38, chr19:1,611,801, plus strand): 5'-AGGCCTGGGTGGGGAGCTGAAAGCACCATCTGGGGGTCTCCAACCACACCTGACACCTTT[T>C]CCTCTTCTCGCCGTTTCAAACAGGCTGCTTTGGGATTCAGGTTCCGCTCTGGAGGGAGGG-3'
Protein context (NP_003191.1, residues 614-634): KAACLKRREE[Glu624Gly]KVSGVVGDPQ